The following is an entry in ClinVar:

ClinVar aggregate classification (germline): Uncertain significance (1 of 4 stars; one submission).

Submission:

Greenwood Genetic Center Diagnostic Laboratories, Greenwood Genetic Center
Classification: Uncertain significance. Last evaluated: 2025-06-26. Review status: criteria provided, single submitter. Criteria: ACMG Guidelines, 2015. Collection method: clinical testing. Allele origin: germline. Affected: yes.
Comment: PM2, PM3_Supporting, PP3

NM_001134831.2(AHI1):c.2471T>G (p.Leu824Trp)

Gene: AHI1 (Abelson helper integration site 1; minus strand). Cytogenetic location: 6q23.3.
Variant type: single nucleotide variant.
Coding change: c.2471T>G on transcript NM_001134831.2 (MANE Select); coding-DNA position 2471, T replaced by G.
Protein change: p.Leu824Trp; replaces leucine 824 with tryptophan.
Molecular consequence: missense variant.
Genome position (GRCh38, 1-based): chr6:135,429,903, A>C on the plus strand (T>G on the coding strand, the complement: AHI1 is on the minus strand). VCF-style: chr6-135429903-A-C. GRCh37 (hg19) VCF-style: chr6-135751041-A-C.
Other names: c.2471T>G, p.Leu824Trp (NM_001134830.2, NM_001134832.2, NM_001350503.2 and 2 more transcripts); short protein forms L824W.
Identifiers: ClinVar variation 4538339 (VCV004538339.1).